The following is an entry in ClinVar:

NM_024334.3(TMEM43):c.402C>T (p.Thr134=)

Gene: TMEM43 (transmembrane protein 43; plus strand). Cytogenetic location: 3p25.1.
Variant type: single nucleotide variant.
Coding change: c.402C>T on transcript NM_024334.3 (MANE Select); coding-DNA position 402, C replaced by T.
Protein change: p.Thr134=; no amino-acid change (threonine 134 retained).
Molecular consequence: synonymous variant.
Genome position (GRCh38, 1-based): chr3:14,132,555, C>T. VCF-style: chr3-14132555-C-T. GRCh37 (hg19) VCF-style: chr3-14174055-C-T.
Other names: p.Thr134=.
Identifiers: ClinVar variation 228013 (VCV000228013.44), dbSNP rs370422391, ClinGen allele CA053434.

ClinVar aggregate classification (germline): Benign/Likely benign. Review status: criteria provided, multiple submitters, no conflicts (2 of 4 stars). 13 submissions from 13 submitters: Benign (1); Likely benign (9). 3 of the submissions do not count toward it. Last evaluated 2025-12-31.

Conditions:
Arrhythmogenic right ventricular dysplasia 5. Also called: Arrhythmogenic Right Ventricular Dysplasia/Cardiomyopathy 5; ARRHYTHMOGENIC RIGHT VENTRICULAR DYSPLASIA, FAMILIAL, 5. Identifiers: MedGen C1858379, MONDO:0011459, OMIM 604400.
Emery-Dreifuss muscular dystrophy 7, autosomal dominant (EDMD7). Also called: Emery-Dreifuss muscular dystrophy 7, AD. Identifiers: Orphanet 261, MedGen C3553060, MONDO:0013677, OMIM 614302.
Auditory neuropathy, autosomal dominant 3 (AUNA3). Identifiers: MedGen C5676964, MONDO:0859235, OMIM 619832.
TMEM43-related disorder. Also called: TMEM43-related condition.
Cardiovascular phenotype. Identifiers: MedGen CN230736.
Cardiomyopathy (CMYO). Also called: Cardiomyopathies. Identifiers: Orphanet 167848, MedGen C0878544, MONDO:0004994, HP:0001638. Inheritance: Various modes of inheritance.

Allele frequency attached by ClinVar (database versions not stated): TOPMed 0.00003; gnomAD 0.00004 and 0.00006; ESP Exome Variant Server 0.00008; gnomAD exomes 0.00012 and 0.00013; ExAC 0.00014.
gnomAD v4.1: 187 of 1,614,084 alleles (0.012%); highest among the groups gnomAD compares: Middle Eastern, 0.13%; no homozygotes.

Submissions (13):

Labcorp Genetics (formerly Invitae), Labcorp
Classification: Likely benign for Arrhythmogenic right ventricular dysplasia 5. Last evaluated: 2025-12-31. Review status: criteria provided, single submitter. Criteria: Invitae Variant Classification Sherloc (09022015). Collection method: clinical testing. Allele origin: germline.

Mayo Clinic Laboratories, Mayo Clinic
Classification: Likely benign. Last evaluated: 2025-08-15. Review status: criteria provided, single submitter. Criteria: ACMG Guidelines, 2015. Collection method: clinical testing. Allele origin: germline. Observed: 1 variant allele.
Comment: BS1, BP4, BP7

Blueprint Genetics
Classification: Likely benign. Last evaluated: 2024-10-09. Review status: criteria provided, single submitter. Criteria: ACMG Guidelines, 2015. Collection method: clinical testing. Allele origin: germline.

CeGaT Center for Human Genetics Tuebingen
Classification: Likely benign. Last evaluated: 2024-10-01. Review status: criteria provided, single submitter. Criteria: CeGaT Center For Human Genetics Tuebingen Variant Classification Criteria Version 2. Collection method: clinical testing. Allele origin: germline. Affected: yes. Observed: 1 variant allele.
Comment: TMEM43: BP4, BP7

All of Us Research Program, National Institutes of Health
Classification: Likely benign for Arrhythmogenic right ventricular dysplasia 5. Last evaluated: 2023-12-18. Review status: criteria provided, single submitter. Criteria: ACMG Guidelines, 2015. Collection method: clinical testing. Allele origin: germline. Inheritance: Autosomal dominant inheritance. Observed: 25 variant alleles, 25 heterozygotes.
Comment: This study involves interpretation of variants in research participants for the purpose of population health screening. Participant phenotype was not available at the time of variant classification. Additional details can be found in publication PMID: 35346344, PMCID: PMC8962531

Ambry Genetics
Classification: Likely benign for Cardiovascular phenotype. Last evaluated: 2022-04-03. Review status: criteria provided, single submitter. Criteria: Ambry Variant Classification Scheme 2023. Collection method: clinical testing. Allele origin: germline.

Fulgent Genetics
Classification: Likely benign for Arrhythmogenic right ventricular dysplasia 5; Emery-Dreifuss muscular dystrophy 7, autosomal dominant; Auditory neuropathy, autosomal dominant 3. Last evaluated: 2021-08-12. Review status: criteria provided, single submitter. Criteria: ACMG Guidelines, 2015. Collection method: clinical testing. Allele origin: unknown.

Women's Health and Genetics/Laboratory Corporation of America, LabCorp
Classification: Benign. Last evaluated: 2019-11-02. Review status: criteria provided, single submitter. Criteria: LabCorp Variant Classification Summary - May 2015. Collection method: clinical testing. Allele origin: germline.

Color Diagnostics, LLC DBA Color Health
Classification: Likely benign for Cardiomyopathy. Last evaluated: 2018-10-16. Review status: criteria provided, single submitter. Criteria: ACMG Guidelines, 2015. Collection method: clinical testing. Allele origin: germline.

Laboratory for Molecular Medicine, Mass General Brigham Personalized Medicine
Classification: Likely benign. Last evaluated: 2017-03-09. Review status: criteria provided, single submitter. Criteria: LMM Criteria. Collection method: clinical testing. Allele origin: germline. Observed: 2 variant alleles.
Comment: p.Thr134Thr in Exon 5 of TMEM43: This variant is not expected to have clinical s ignificance because it does not alter an amino acid residue and is not located w ithin the splice consensus sequence. It has been identified in 8/16512 South Asi an chromosomes by the Exome Aggregation Consortium (ExAC; dbSNP rs370422391).

PreventionGenetics, part of Exact Sciences
Classification: Likely benign for TMEM43-related condition. Last evaluated: 2020-03-23. Review status: no assertion criteria provided. Collection method: clinical testing. Allele origin: germline. Not counted in ClinVar's aggregate classification.
Comment: This variant is classified as likely benign based on ACMG/AMP sequence variant interpretation guidelines (Richards et al. 2015 PMID: 25741868, with internal and published modifications).

Clinical Genetics, Academic Medical Center
Classification: Benign. Review status: no assertion criteria provided. Collection method: clinical testing. Allele origin: germline. Affected: yes. Study: VKGL Data-share Consensus. Not counted in ClinVar's aggregate classification.

Joint Genome Diagnostic Labs from Nijmegen and Maastricht, Radboudumc and MUMC+
Classification: Likely benign. Review status: no assertion criteria provided. Collection method: clinical testing. Allele origin: germline. Affected: yes. Study: VKGL Data-share Consensus. Not counted in ClinVar's aggregate classification.